The following is an entry in ClinVar:

ClinVar aggregate classification (germline): Uncertain significance. Review status: criteria provided, multiple submitters, no conflicts (2 of 4 stars). 3 submissions from 3 submitters: Uncertain significance (3). Last evaluated 2025-11-02.

Conditions:
Baller-Gerold syndrome (BGS). Also called: CRANIOSYNOSTOSIS WITH RADIAL DEFECTS. Identifiers: Orphanet 1225, MedGen C0265308, MONDO:0009039, OMIM 218600.
Rothmund-Thomson syndrome type 2 (RTS2). Identifiers: Orphanet 221016, MedGen C5203410, MONDO:0016369, OMIM 268400.

Submissions (3):

Labcorp Genetics (formerly Invitae), Labcorp
Classification: Uncertain significance for Baller-Gerold syndrome. Last evaluated: 2025-11-02. Review status: criteria provided, single submitter. Criteria: Invitae Variant Classification Sherloc (09022015). Collection method: clinical testing. Allele origin: germline.
Comment: This variant, c.3574_3597del, results in the deletion of 8 amino acid(s) of the RECQL4 protein (p.Phe1192_Ala1199del), but otherwise preserves the integrity of the reading frame. This variant is present in population databases (rs758966528, gnomAD 0.003%). This variant has not been reported in the literature in individuals affected with RECQL4-related conditions. ClinVar contains an entry for this variant (Variation ID: 657050). Experimental studies and prediction algorithms are not available or were not evaluated, and the functional significance of this variant is currently unknown. In summary, the available evidence is currently insufficient to determine the role of this variant in disease. Therefore, it has been classified as a Variant of Uncertain Significance.

St. Jude Molecular Pathology, St. Jude Children's Research Hospital
Classification: Uncertain significance for Rothmund-Thomson syndrome type 2. Last evaluated: 2024-03-19. Review status: criteria provided, single submitter. Criteria: St. Jude Assertion Criteria 2020. Collection method: clinical testing. Allele origin: germline.
Comment: The RECQL4 c.3574_3597del (p.Phe1192_Ala1199del) change deletes 24 nucleotides at position 3574-3597 resulting in an in-frame deletion of eight amino acids residues at codons 1192-1199 in exon 22. This change has a maximum subpopulation frequency of 0.0027% in gnomAD v2.1.1. To our knowledge, this variant has not been reported in individuals with RECQL4-associated conditions. In summary, the evidence currently available is insufficient to determine the clinical significance of this variant. It has therefore been classified as of uncertain significance.

Genetic Services Laboratory, University of Chicago
Classification: Uncertain significance. Last evaluated: 2021-11-21. Review status: criteria provided, single submitter. Criteria: ACMG Guidelines, 2015. Collection method: clinical testing. Allele origin: germline. Affected: no.
Comment: DNA sequence analysis of the RECQL4 demonstrated a 24 base pair deletion in exon 21, c.3574_3597del. This in-frame deletion is predicted to result in the deletion of 8 amino acid residues, p.Phe1192_Ala1199del. This deletion does not appear to have been previously described in individuals with RECQL4 -related disorders. This sequence change has been described in the gnomAD database with a frequency of 0.0027% in the non-Finnish European subpopulation (dbSNP rs758966528). The functional significance of this sequence change is not known at present and its contribution to this individual's disease phenotype cannot definitively be determined.

NM_004260.4(RECQL4):c.3574_3597del (p.Phe1192_Ala1199del)

Gene: RECQL4 (RecQ like helicase 4; minus strand). Cytogenetic location: 8q24.3.
Variant type: Deletion.
Coding change: c.3574_3597del on transcript NM_004260.4 (MANE Select); coding-DNA positions 3574 to 3597, 24 bases deleted (TTCCATGCCCTGGTGGGCCTGGCC).
Protein change: p.Phe1192_Ala1199del.
Molecular consequence: inframe deletion.
Genome position (GRCh38, 1-based): chr8:144,511,461-144,511,484, GGCCAGGCCCACCAGGGCATGGAA deleted on the plus strand (TTCCATGCCCTGGTGGGCCTGGCC on the coding strand, the reverse complement: RECQL4 is on the minus strand); deleting any 24 consecutive bases within chr8:144,511,461-144,511,485 gives the same sequence; the c. name uses the placement nearest the transcript's 3' end. VCF-style (leftmost placement, unchanged base first): chr8-144511460-TGGCCAGGCCCACCAGGGCATGGAA-T. GRCh37 (hg19) VCF-style: chr8-145736843-TGGCCAGGCCCACCAGGGCATGGAA-T.
Other names: c.3574_3597delTTCCATGCCCTGGTGGGCCTGGCC (NM_004260.3).
Identifiers: ClinVar variation 657050 (VCV000657050.12), dbSNP rs758966528, ClinGen allele CA4947629.